The following is an entry in ClinVar:

NM_199420.4(POLQ):c.553G>C (p.Asp185His)

Gene: POLQ (DNA polymerase theta; minus strand). Cytogenetic location: 3q13.33.
Variant type: single nucleotide variant.
Coding change: c.553G>C on transcript NM_199420.4 (MANE Select); coding-DNA position 553, G replaced by C.
Protein change: p.Asp185His; replaces aspartic acid 185 with histidine.
Molecular consequence: missense variant.
Genome position (GRCh38, 1-based): chr3:121,539,511, C>G on the plus strand (G>C on the coding strand, the complement: POLQ is on the minus strand). VCF-style: chr3-121539511-C-G. GRCh37 (hg19) VCF-style: chr3-121258358-C-G.
Other names: short protein forms D185H.
Identifiers: ClinVar variation 1748192 (VCV001748192.2), dbSNP rs2546824559, ClinGen allele CA354091143.
Genomic context (GRCh38, chr3:121,539,511, plus strand): 5'-TTTCCTCTATGAGGCGATTGATCAGACCATTGGCTCTCTCAATTGTGCAGACTGCAATAT[C>G]CAATGAAGAGAAATGCCTTGATGGAGAGGTGCTGCCCATATAACCGTCTACTTTTATTCC-3'
Protein context (NP_955452.3, residues 175-195): TSPSRHFSSL[Asp185His]IAVCTIERAN

ClinVar aggregate classification (germline): Uncertain significance (1 of 4 stars; one submission).

Submission:

Ambry Genetics
Classification: Uncertain significance. Last evaluated: 2022-04-21. Review status: criteria provided, single submitter. Criteria: Ambry Variant Classification Scheme 2023. Collection method: clinical testing. Allele origin: germline.
Comment: The p.D185H variant (also known as c.553G>C), located in coding exon 4 of the POLQ gene, results from a G to C substitution at nucleotide position 553. The aspartic acid at codon 185 is replaced by histidine, an amino acid with similar properties. This amino acid position is conserved. In addition, this alteration is predicted to be deleterious by in silico analysis. Since supporting evidence is limited at this time, the clinical significance of this alteration remains unclear.